The following is an entry in ClinVar:

ClinVar aggregate classification (germline): Uncertain significance. Review status: criteria provided, multiple submitters, no conflicts (2 of 4 stars). 2 submissions from 2 submitters: Uncertain significance (2). Last evaluated 2025-07-10.

Conditions:
Cardiovascular phenotype. Identifiers: MedGen CN230736.

Submissions (2):

GeneDx
Classification: Uncertain significance. Last evaluated: 2025-07-10. Review status: criteria provided, single submitter. Criteria: GeneDx Variant Classification Process June 2021. Collection method: clinical testing. Allele origin: germline. Affected: yes.
Comment: Not observed at significant frequency in large population cohorts (gnomAD); In silico analysis supports that this missense variant has a deleterious effect on protein structure/function; Has not been previously published as pathogenic or benign to our knowledge; This variant is associated with the following publications: (PMID: 20001957)

Ambry Genetics
Classification: Uncertain significance for Cardiovascular phenotype. Last evaluated: 2023-11-29. Review status: criteria provided, single submitter. Criteria: Ambry Variant Classification Scheme 2023. Collection method: clinical testing. Allele origin: germline.
Comment: The p.E461G variant (also known as c.1382A>G), located in coding exon 4 of the BAG3 gene, results from an A to G substitution at nucleotide position 1382. The glutamic acid at codon 461 is replaced by glycine, an amino acid with similar properties. This amino acid position is conserved. In addition, this alteration is predicted to be deleterious by in silico analysis. Since supporting evidence is limited at this time, the clinical significance of this alteration remains unclear.

NM_004281.4(BAG3):c.1382A>G (p.Glu461Gly)

Gene: BAG3 (BAG cochaperone 3; plus strand). Cytogenetic location: 10q26.11.
Variant type: single nucleotide variant.
Coding change: c.1382A>G on transcript NM_004281.4 (MANE Select); coding-DNA position 1382, A replaced by G.
Protein change: p.Glu461Gly; replaces glutamic acid 461 with glycine.
Molecular consequence: missense variant.
Genome position (GRCh38, 1-based): chr10:119,676,936, A>G. VCF-style: chr10-119676936-A-G. GRCh37 (hg19) VCF-style: chr10-121436448-A-G.
Other names: short protein forms E461G.
Identifiers: ClinVar variation 3223766 (VCV003223766.2), dbSNP rs2494023933, ClinGen allele CA378297210.